The following is an entry in ClinVar:

ClinVar aggregate classification (germline): Uncertain significance (1 of 4 stars; one submission).

Conditions:
Neuropathy, hereditary sensory and autonomic, type 2A (HSAN2A). Also called: ACROOSTEOLYSIS, GIACCAI TYPE; ACROOSTEOLYSIS, NEUROGENIC; MORVAN DISEASE; NEUROPATHY, CONGENITAL SENSORY; NEUROPATHY, HEREDITARY SENSORY RADICULAR, AUTOSOMAL RECESSIVE; NEUROPATHY, HEREDITARY SENSORY, TYPE IIA. Identifiers: Orphanet 970, MedGen C2752089, MONDO:0024309, OMIM 201300.
Generalized epilepsy with febrile seizures plus, type 7 (GEFSP7). Also called: GEFS+, TYPE 7. Identifiers: Orphanet 36387, MedGen C2751778, MONDO:0013470, OMIM 613863.

Submission:

Labcorp Genetics (formerly Invitae), Labcorp
Classification: Uncertain significance for Neuropathy, hereditary sensory and autonomic, type 2A; Generalized epilepsy with febrile seizures plus, type 7. Last evaluated: 2022-10-17. Review status: criteria provided, single submitter. Criteria: Invitae Variant Classification Sherloc (09022015). Collection method: clinical testing. Allele origin: germline.
Comment: In summary, the available evidence is currently insufficient to determine the role of this variant in disease. Therefore, it has been classified as a Variant of Uncertain Significance. Advanced modeling of protein sequence and biophysical properties (such as structural, functional, and spatial information, amino acid conservation, physicochemical variation, residue mobility, and thermodynamic stability) performed at Invitae indicates that this missense variant is not expected to disrupt SCN9A protein function. ClinVar contains an entry for this variant (Variation ID: 538456). This variant has not been reported in the literature in individuals affected with SCN9A-related conditions. This variant is not present in population databases (gnomAD no frequency). This sequence change replaces glutamic acid, which is acidic and polar, with aspartic acid, which is acidic and polar, at codon 1061 of the SCN9A protein (p.Glu1061Asp).

NM_001365536.1(SCN9A):c.3216A>C (p.Glu1072Asp)

Genes: SCN1A-AS1 (SCN1A and SCN9A antisense RNA 1; plus strand), SCN9A (sodium voltage-gated channel alpha subunit 9; minus strand). Cytogenetic location: 2q24.3.
Variant type: single nucleotide variant.
Coding change: c.3216A>C on transcript NM_001365536.1 (MANE Select); coding-DNA position 3216, A replaced by C.
Protein change: p.Glu1072Asp; replaces glutamic acid 1072 with aspartic acid.
Molecular consequence: missense variant.
Genome position (GRCh38, 1-based): chr2:166,272,534, T>G on the plus strand (A>C on the coding strand, the complement: SCN9A is on the minus strand). VCF-style: chr2-166272534-T-G. GRCh37 (hg19) VCF-style: chr2-167129044-T-G.
Other names: c.3183A>C, p.Glu1061Asp (NM_002977.4); short protein forms E1061D, E1072D.
Identifiers: ClinVar variation 538456 (VCV000538456.11), dbSNP rs1553486652, ClinGen allele CA349073119.